The following is an entry in ClinVar:

NM_007289.4(MME):c.1175A>G (p.Asn392Ser)

Gene: MME (membrane metalloendopeptidase; plus strand). Cytogenetic location: 3q25.2.
Variant type: single nucleotide variant.
Coding change: c.1175A>G on transcript NM_007289.4 (MANE Select); coding-DNA position 1175, A replaced by G.
Protein change: p.Asn392Ser; replaces asparagine 392 with serine.
Molecular consequence: missense variant.
Genome position (GRCh38, 1-based): chr3:155,142,317, A>G. VCF-style: chr3-155142317-A-G. GRCh37 (hg19) VCF-style: chr3-154860106-A-G.
Other names: c.1175A>G, p.Asn392Ser (NM_000902.5, NM_001354642.2, NM_001354643.1 and 2 more transcripts); short protein forms N392S.
Identifiers: ClinVar variation 2507123 (VCV002507123.2), dbSNP rs2473074986, ClinGen allele CA355130214.

ClinVar aggregate classification (germline): Uncertain significance (1 of 4 stars; one submission).

Submission:

GeneDx
Classification: Uncertain significance. Last evaluated: 2024-11-11. Review status: criteria provided, single submitter. Criteria: GeneDx Variant Classification Process June 2021. Collection method: clinical testing. Allele origin: germline. Affected: yes.
Comment: Not observed at significant frequency in large population cohorts (gnomAD); In silico analysis indicates that this missense variant does not alter protein structure/function; Has not been previously published as pathogenic or benign to our knowledge